The following is an entry in ClinVar:

NM_198576.4(AGRN):c.4810C>T (p.Arg1604Cys)

Gene: AGRN (agrin; plus strand). Cytogenetic location: 1p36.33.
Variant type: single nucleotide variant.
Coding change: c.4810C>T on transcript NM_198576.4 (MANE Select); coding-DNA position 4810, C replaced by T.
Protein change: p.Arg1604Cys; replaces arginine 1604 with cysteine.
Molecular consequence: missense variant.
Genome position (GRCh38, 1-based): chr1:1,049,968, C>T. VCF-style: chr1-1049968-C-T. GRCh37 (hg19) VCF-style: chr1-985348-C-T.
Other names: c.4810C>T, p.Arg1604Cys (NM_001305275.2); c.4495C>T, p.Arg1499Cys (NM_001364727.2); short protein forms R1499C, R1604C.
Identifiers: ClinVar variation 1018073 (VCV001018073.5), dbSNP rs201353978, ClinGen allele CA509650.

ClinVar aggregate classification (germline): Uncertain significance. Review status: criteria provided, multiple submitters, no conflicts (2 of 4 stars). 2 submissions from 2 submitters: Uncertain significance (2). Last evaluated 2022-08-15.

Conditions:
Congenital myasthenic syndrome 8. Also called: MYASTHENIC SYNDROME, CONGENITAL, DUE TO AGRIN DEFICIENCY; Myasthenic syndrome, congenital, 8, with pre- and postsynaptic defects. Identifiers: Orphanet 590, MedGen C3808739, MONDO:0014052, OMIM 615120.

Allele frequency attached by ClinVar (database versions not stated): 1000 Genomes Project 0.00020; TOPMed 0.00006; 1000 Genomes Project 30x 0.00016.
gnomAD v4.1: 40 of 1,607,598 alleles (0.0025%); highest among the groups gnomAD compares: African/African-American, 0.021%; 1 homozygote.

Submissions (2):

Labcorp Genetics (formerly Invitae), Labcorp
Classification: Uncertain significance for Congenital myasthenic syndrome 8. Last evaluated: 2022-08-15. Review status: criteria provided, single submitter. Criteria: Invitae Variant Classification Sherloc (09022015). Collection method: clinical testing. Allele origin: germline.
Comment: This sequence change replaces arginine, which is basic and polar, with cysteine, which is neutral and slightly polar, at codon 1604 of the AGRN protein (p.Arg1604Cys). This variant is present in population databases (rs201353978, gnomAD 0.02%). This variant has not been reported in the literature in individuals affected with AGRN-related conditions. ClinVar contains an entry for this variant (Variation ID: 1018073). Algorithms developed to predict the effect of missense changes on protein structure and function are either unavailable or do not agree on the potential impact of this missense change (SIFT: "Deleterious"; PolyPhen-2: "Possibly Damaging"; Align-GVGD: "Class C0"). In summary, the available evidence is currently insufficient to determine the role of this variant in disease. Therefore, it has been classified as a Variant of Uncertain Significance.

Pittsburgh Clinical Genomics Laboratory, University of Pittsburgh Medical Center
Classification: Uncertain significance for Congenital myasthenic syndrome 8. Last evaluated: 2022-03-09. Review status: criteria provided, single submitter. Criteria: ACMG Guidelines, 2015. Collection method: clinical testing. Allele origin: germline. Inheritance: Autosomal recessive inheritance. Affected: yes.
Comment: This sequence variant is a single nucleotide substitution (C>T) that results in an arginine to cysteine amino acid change at residue 1604 of the AGRN protein. This is a previously reported variant (ClinVar) that has not been observed in individuals with AGRN-related disease in the published literature. This variant is rare in control population datasets (gnomAD database 12 of 271962 alleles or 0.004%). Multiple bioinformatic tools predict that this variant would be tolerated, and the Arg1604 amino acid is not highly conserved across the mammalian species examined. Functiol studies examining the effect of this variant on protein structure or activity have not been performed, to our knowledge. At this time, there is insufficient evidence to determine if this variant is pathogenic or benign. Therefore, we consider this a variant of uncertain significance. ACMG Criteria: PM2